The following is an entry in ClinVar:

NM_004522.3(KIF5C):c.2586G>C (p.Leu862=)

Gene: KIF5C (kinesin family member 5C; plus strand). Cytogenetic location: 2q23.2.
Variant type: single nucleotide variant.
Coding change: c.2586G>C on transcript NM_004522.3 (MANE Select); coding-DNA position 2586, G replaced by C.
Protein change: p.Leu862=; no amino-acid change (leucine 862 retained).
Molecular consequence: synonymous variant. On other transcripts: non-coding transcript variant (1).
Genome position (GRCh38, 1-based): chr2:149,010,170, G>C. VCF-style: chr2-149010170-G-C. GRCh37 (hg19) VCF-style: chr2-149866684-G-C.
Identifiers: ClinVar variation 385231 (VCV000385231.1), dbSNP rs531040948, ClinGen allele CA1901739.

ClinVar aggregate classification (germline): Likely benign (1 of 4 stars; one submission).

Allele frequency attached by ClinVar (database versions not stated): gnomAD 0.00001 and 0.00002; ExAC 0.00005; 1000 Genomes Project 0.00020; 1000 Genomes Project 30x 0.00031.
gnomAD v4.1: 23 of 1,552,854 alleles (0.0015%); highest among the groups gnomAD compares: South Asian, 0.014%; no homozygotes.

Submission:

GeneDx
Classification: Likely benign. Last evaluated: 2016-04-11. Review status: criteria provided, single submitter. Criteria: GeneDx Variant Classification (06012015). Collection method: clinical testing. Allele origin: germline. Affected: yes.
Comment: This variant is considered likely benign or benign based on one or more of the following criteria: it is a conservative change, it occurs at a poorly conserved position in the protein, it is predicted to be benign by multiple in silico algorithms, and/or has population frequency not consistent with disease.